The following is an entry in ClinVar:

NM_015215.4(CAMTA1):c.501G>A (p.Trp167Ter)

Gene: CAMTA1 (calmodulin binding transcription activator 1; plus strand). Cytogenetic location: 1p36.23.
Variant type: single nucleotide variant.
Coding change: c.501G>A on transcript NM_015215.4 (MANE Select); coding-DNA position 501, G replaced by A.
Protein change: p.Trp167Ter; replaces tryptophan 167 with a stop codon.
Molecular consequence: nonsense.
Genome position (GRCh38, 1-based): chr1:7,467,892, G>A. VCF-style: chr1-7467892-G-A. GRCh37 (hg19) VCF-style: chr1-7527952-G-A.
Other names: c.411G>A, p.Trp137Ter (NM_001349608.2, NM_001349612.2); c.501G>A, p.Trp167Ter (NM_001349609.2, NM_001349610.2, NM_001410737.1); short protein forms W137*, W167*.
Identifiers: ClinVar variation 2331583 (VCV002331583.2), dbSNP rs2523535823, ClinGen allele CA338219647.

ClinVar aggregate classification (germline): Pathogenic (1 of 4 stars; one submission).

Conditions:
Inborn genetic diseases. Identifiers: MedGen C0950123, MeSH D030342.

Submission:

Ambry Genetics
Classification: Pathogenic for Inborn genetic diseases. Last evaluated: 2022-12-29. Review status: criteria provided, single submitter. Criteria: Ambry Variant Classification Scheme 2023. Collection method: clinical testing. Allele origin: germline.
Comment: The c.501G>A (p.W167*) alteration, located in exon 6 (coding exon 6) of the CAMTA1 gene, consists of a G to A substitution at nucleotide position 501. This changes the amino acid from a tryptophan (W) to a stop codon at amino acid position 167. This alteration is expected to result in loss of function by premature protein truncation or nonsense-mediated mRNA decay. This variant was not reported in population-based cohorts in the Genome Aggregation Database (gnomAD). Based on the available evidence, this alteration is classified as pathogenic.